The following is an entry in ClinVar:

ClinVar aggregate classification (germline): Pathogenic (1 of 4 stars; one submission).

Submission:

GeneDx
Classification: Pathogenic. Last evaluated: 2023-12-20. Review status: criteria provided, single submitter. Criteria: GeneDx Variant Classification Process June 2021. Collection method: clinical testing. Allele origin: germline. Affected: yes.
Comment: Identified in a patient belonging to a cohort of patients with neurodevelopmental disorders in published literature, but additional evidence is not available (PMID: 33004838); Frameshift variant predicted to result in abnormal protein length as the last 123 amino acids are replaced with 11 different amino acids, and other similar variants have been reported in HGMD; Not observed at significant frequency in large population cohorts (gnomAD); This variant is associated with the following publications: (PMID: 33004838)

NM_032436.4(CHAMP1):c.2067_2070del (p.Glu690fs)

Gene: CHAMP1 (chromosome alignment maintaining phosphoprotein 1; plus strand). Cytogenetic location: 13q34.
Variant type: Deletion.
Coding change: c.2067_2070del on transcript NM_032436.4 (MANE Select); coding-DNA positions 2067 to 2070, 4 bases deleted (AGAA; older notation c.2067_2070delAGAA).
Protein change: p.Glu690fs; shifts the reading frame from glutamic acid 690.
Molecular consequence: frameshift variant.
Genome position (GRCh38, 1-based): chr13:114,325,909-114,325,912, AGAA deleted; deleting any 4 consecutive bases within chr13:114,325,907-114,325,912 gives the same sequence; the c. name uses the placement nearest the transcript's 3' end. VCF-style (leftmost placement, unchanged base first): chr13-114325906-AAAAG-A. GRCh37 (hg19) VCF-style: chr13-115091381-AAAAG-A.
Other names: c.2067_2070del, p.Glu690fs (NM_001164144.3, NM_001164145.3); short protein forms E690fs.
Identifiers: ClinVar variation 3343943 (VCV003343943.1).